The following is an entry in ClinVar:

NM_198253.3(TERT):c.2210A>G (p.Asn737Ser)

Gene: TERT (telomerase reverse transcriptase; minus strand). Cytogenetic location: 5p15.33.
Variant type: single nucleotide variant.
Coding change: c.2210A>G on transcript NM_198253.3 (MANE Select); coding-DNA position 2210, A replaced by G.
Protein change: p.Asn737Ser; replaces asparagine 737 with serine.
Molecular consequence: missense variant. On other transcripts: non-coding transcript variant (2).
Genome position (GRCh38, 1-based): chr5:1,278,717, T>C on the plus strand (A>G on the coding strand, the complement: TERT is on the minus strand). VCF-style: chr5-1278717-T-C. GRCh37 (hg19) VCF-style: chr5-1278832-T-C.
Other names: c.2210A>G, p.Asn737Ser (NM_001193376.3); short protein forms N737S.
Identifiers: ClinVar variation 1014143 (VCV001014143.47), dbSNP rs1749789809, ClinGen allele CA359079318.

ClinVar aggregate classification (germline): Uncertain significance (1 of 4 stars; one submission).

Conditions:
Dyskeratosis congenita, autosomal dominant 2. Identifiers: MedGen C3151443, MONDO:0013521, OMIM 613989.
Idiopathic Pulmonary Fibrosis. Also called: Idiopathic fibrosing alveolitis, chronic form; idiopathic fibrosing alveolitis. Identifiers: Orphanet 2032, MedGen C1800706, MeSH D054990, MONDO:0800504.

Submission:

Labcorp Genetics (formerly Invitae), Labcorp
Classification: Uncertain significance for Dyskeratosis congenita, autosomal dominant 2; Idiopathic Pulmonary Fibrosis. Last evaluated: 2020-02-11. Review status: criteria provided, single submitter. Criteria: Invitae Variant Classification Sherloc (09022015). Collection method: clinical testing. Allele origin: germline.
Comment: This sequence change replaces asparagine with serine at codon 737 of the TERT protein (p.Asn737Ser). The asparagine residue is weakly conserved and there is a small physicochemical difference between asparagine and serine. This variant is not present in population databases (ExAC no frequency). This variant has not been reported in the literature in individuals with TERT-related conditions. Algorithms developed to predict the effect of missense changes on protein structure and function output the following: SIFT: "Tolerated"; PolyPhen-2: "Benign"; Align-GVGD: "Class C0". The serine amino acid residue is found in multiple mammalian species, suggesting that this missense change does not adversely affect protein function. These predictions have not been confirmed by published functional studies and their clinical significance is uncertain. In summary, the available evidence is currently insufficient to determine the role of this variant in disease. Therefore, it has been classified as a Variant of Uncertain Significance.